The following is an entry in ClinVar:

ClinVar aggregate classification (germline): Likely benign (1 of 4 stars; one submission).

Allele frequency attached by ClinVar (database versions not stated): TOPMed 0.00004; gnomAD exomes 0.00006; gnomAD 0.00007; ESP Exome Variant Server 0.00008; ExAC 0.00009; 1000 Genomes Project 0.00020; 1000 Genomes Project 30x 0.00031.
gnomAD v4.1: 96 of 1,614,068 alleles (0.0059%); highest among the groups gnomAD compares: Admixed American, 0.01%; no homozygotes.

Submission:

CeGaT Center for Human Genetics Tuebingen
Classification: Likely benign. Last evaluated: 2022-07-01. Review status: criteria provided, single submitter. Criteria: CeGaT Center For Human Genetics Tuebingen Variant Classification Criteria Version 2. Collection method: clinical testing. Allele origin: germline. Affected: yes. Observed: 1 variant allele.
Comment: RORA: BP4, BP7

NM_134261.3(RORA):c.774G>A (p.Ser258=)

Genes: RORA (RAR related orphan receptor A; minus strand), RORA-AS1 (RORA antisense RNA 1; plus strand). Cytogenetic location: 15q22.2.
Variant type: single nucleotide variant.
Coding change: c.774G>A on transcript NM_134261.3 (MANE Select); coding-DNA position 774, G replaced by A.
Protein change: p.Ser258=; no amino-acid change (serine 258 retained).
Molecular consequence: synonymous variant.
Genome position (GRCh38, 1-based): chr15:60,511,272, C>T on the plus strand (G>A on the coding strand, the complement: RORA is on the minus strand). VCF-style: chr15-60511272-C-T. GRCh37 (hg19) VCF-style: chr15-60803471-C-T.
Other names: c.849G>A, p.Ser283= (NM_002943.4); c.873G>A, p.Ser291= (NM_134260.3); c.609G>A, p.Ser203= (NM_134262.3).
Identifiers: ClinVar variation 2645388 (VCV002645388.24), dbSNP rs201973429, ClinGen allele CA7593650.